The following is an entry in ClinVar:

ClinVar aggregate classification (germline): Uncertain significance (1 of 4 stars; one submission).

Conditions:
Long QT syndrome (LQTS). Identifiers: MedGen C0023976, MeSH D008133, MONDO:0002442. Disease mechanism: loss of function. Inheritance: Various modes of inheritance.

Submission:

Labcorp Genetics (formerly Invitae), Labcorp
Classification: Uncertain significance for Long QT syndrome. Last evaluated: 2022-03-23. Review status: criteria provided, single submitter. Criteria: Invitae Variant Classification Sherloc (09022015). Collection method: clinical testing. Allele origin: germline.
Comment: This sequence change replaces serine, which is neutral and polar, with cysteine, which is neutral and slightly polar, at codon 1650 of the CACNA1C protein (p.Ser1650Cys). This variant is not present in population databases (gnomAD no frequency). This variant has not been reported in the literature in individuals affected with CACNA1C-related conditions. Algorithms developed to predict the effect of missense changes on protein structure and function are either unavailable or do not agree on the potential impact of this missense change (SIFT: "Deleterious"; PolyPhen-2: "Probably Damaging"; Align-GVGD: "Class C0"). In summary, the available evidence is currently insufficient to determine the role of this variant in disease. Therefore, it has been classified as a Variant of Uncertain Significance.

NM_000719.7(CACNA1C):c.4949C>G (p.Ser1650Cys)

Genes: CACNA1C (calcium voltage-gated channel subunit alpha1 C; plus strand), CACNA1C-AS1 (CACNA1C antisense RNA 1; minus strand). Cytogenetic location: 12p13.33.
Variant type: single nucleotide variant.
Coding change: c.4949C>G on transcript NM_000719.7 (MANE Select); coding-DNA position 4949, C replaced by G.
Protein change: p.Ser1650Cys; replaces serine 1650 with cysteine.
Molecular consequence: missense variant. On other transcripts: non-coding transcript variant (1).
Genome position (GRCh38, 1-based): chr12:2,677,214, C>G. VCF-style: chr12-2677214-C-G. GRCh37 (hg19) VCF-style: chr12-2786380-C-G.
Other names: c.5093C>G, p.Ser1698Cys (NM_001129827.2, NM_199460.4); c.5072C>G, p.Ser1691Cys (NM_001129829.2); c.4949C>G, p.Ser1650Cys (NM_001129830.3, NM_001129840.2, NM_001129841.2 and 4 more transcripts); c.5033C>G, p.Ser1678Cys (NM_001129831.2); c.5009C>G, p.Ser1670Cys (NM_001129832.2); c.5006C>G, p.Ser1669Cys (NM_001129833.2, NM_001129834.2, NM_001129835.2); c.5000C>G, p.Ser1667Cys (NM_001129836.2); c.4973C>G, p.Ser1658Cys (NM_001129837.2, NM_001129838.2); and 3 more; short protein forms S1650C, S1656C, S1670C, S1667C, S1691C, S1698C, S1639C, S1658C.
Identifiers: ClinVar variation 1388772 (VCV001388772.8), dbSNP rs2153787618, ClinGen allele CA383378154.